The following is an entry in ClinVar:

NM_015001.3(SPEN):c.2611C>T (p.Arg871Cys)

Gene: SPEN (spen family transcriptional repressor; plus strand). Cytogenetic location: 1p36.13.
Variant type: single nucleotide variant.
Coding change: c.2611C>T on transcript NM_015001.3 (MANE Select); coding-DNA position 2611, C replaced by T.
Protein change: p.Arg871Cys; replaces arginine 871 with cysteine.
Molecular consequence: missense variant.
Genome position (GRCh38, 1-based): chr1:15,928,851, C>T. VCF-style: chr1-15928851-C-T. GRCh37 (hg19) VCF-style: chr1-16255346-C-T.
Other names: short protein forms R871C.
Identifiers: ClinVar variation 1691555 (VCV001691555.3), dbSNP rs151043425, ClinGen allele CA619313.

ClinVar aggregate classification (germline): Uncertain significance (1 of 4 stars; one submission).

Allele frequency attached by ClinVar (database versions not stated): ExAC 0.00003; gnomAD exomes 0.00003; TOPMed 0.00001; gnomAD 0.00002; ESP Exome Variant Server 0.00008.
gnomAD v4.1: 47 of 1,613,926 alleles (0.0029%); highest among the groups gnomAD compares: East Asian, 0.0089%; 1 homozygote.

Submission:

Centre of Medical Genetics, University Hospital Muenster
Classification: Uncertain significance. Last evaluated: 2022-05-09. Review status: criteria provided, single submitter. Criteria: ACMG Guidelines, 2015. Collection method: clinical testing. Allele origin: unknown. Affected: yes. Observed: 1 variant allele, 1 heterozygote.
Comment: ACMG categories: PS4,BP1